The following is an entry in ClinVar:

NM_000503.6(EYA1):c.*9G>A

Gene: EYA1 (EYA transcriptional coactivator and phosphatase 1; minus strand). Cytogenetic location: 8q13.3.
Variant type: single nucleotide variant.
Coding change: c.*9G>A on transcript NM_000503.6 (MANE Select); 9 bases downstream of the stop codon, G replaced by A.
Molecular consequence: 3 prime UTR variant.
Genome position (GRCh38, 1-based): chr8:71,199,331, C>T on the plus strand (G>A on the coding strand, the complement: EYA1 is on the minus strand). VCF-style: chr8-71199331-C-T. GRCh37 (hg19) VCF-style: chr8-72111566-C-T.
Other names: c.*9G>A (NM_001288574.2, NM_001288575.2, NM_001370333.1 and 6 more transcripts).
Identifiers: ClinVar variation 1235030 (VCV001235030.5), dbSNP rs370353759, ClinGen allele CA4779362.
Genomic context (GRCh38, chr8:71,199,331, plus strand): 5'-GAGACTGGGGCCTGCTGGATCTGTCCCTGGTCACAGAGCAGCTGTGCGCTGTCAAAGTGC[C>T]GAGCGCTGTTACAGGTACTCCAGTTCCAAGGCATGGTGCAGGGCCATGAGGTCCGAGTGG-3'

ClinVar aggregate classification (germline): Likely benign. Review status: criteria provided, single submitter (1 of 4 stars). 2 submissions from 2 submitters: Likely benign (1). 1 of the submissions does not count toward it. Last evaluated 2020-04-02.

Conditions:
EYA1-related disorder. Also called: EYA1-related condition.

Allele frequency attached by ClinVar (database versions not stated): ESP Exome Variant Server 0.00008; gnomAD exomes 0.00012; ExAC 0.00014; gnomAD 0.00017 and 0.00019.
gnomAD v4.1: 449 of 1,598,846 alleles (0.028%); highest among the groups gnomAD compares: Non-Finnish European, 0.036%; no homozygotes.

Submissions (2):

GeneDx
Classification: Likely benign. Last evaluated: 2020-04-02. Review status: criteria provided, single submitter. Criteria: GeneDx Variant Classification Process June 2021. Collection method: clinical testing. Allele origin: germline. Affected: yes.

PreventionGenetics, part of Exact Sciences
Classification: Likely benign for EYA1-related condition. Last evaluated: 2020-09-30. Review status: no assertion criteria provided. Collection method: clinical testing. Allele origin: germline. Not counted in ClinVar's aggregate classification.
Comment: This variant is classified as likely benign based on ACMG/AMP sequence variant interpretation guidelines (Richards et al. 2015 PMID: 25741868, with internal and published modifications).